The following is an entry in ClinVar:

NM_152383.5(DIS3L2):c.2234C>A (p.Ala745Glu)

Gene: DIS3L2 (DIS3 like 3'-5' exoribonuclease 2; plus strand). Cytogenetic location: 2q37.1.
Variant type: single nucleotide variant.
Coding change: c.2234C>A on transcript NM_152383.5 (MANE Select); coding-DNA position 2234, C replaced by A.
Protein change: p.Ala745Glu; replaces alanine 745 with glutamic acid.
Molecular consequence: missense variant. On other transcripts: non-coding transcript variant (2), intron variant (1).
Genome position (GRCh38, 1-based): chr2:232,334,444, C>A. VCF-style: chr2-232334444-C-A. GRCh37 (hg19) VCF-style: chr2-233199154-C-A.
Other names: c.1582-8901C>A (NM_001257281.2); short protein forms A745E.
Identifiers: ClinVar variation 3624755 (VCV003624755.2).

ClinVar aggregate classification (germline): Uncertain significance (1 of 4 stars; one submission).

Conditions:
Perlman syndrome (PRLMNS). Identifiers: Orphanet 2849, MedGen C0796113, MONDO:0009965, OMIM 267000.

Submission:

Labcorp Genetics (formerly Invitae), Labcorp
Classification: Uncertain significance for Perlman syndrome. Last evaluated: 2024-09-01. Review status: criteria provided, single submitter. Criteria: Invitae Variant Classification Sherloc (09022015). Collection method: clinical testing. Allele origin: germline.
Comment: This sequence change replaces alanine, which is neutral and non-polar, with glutamic acid, which is acidic and polar, at codon 745 of the DIS3L2 protein (p.Ala745Glu). This variant is not present in population databases (gnomAD no frequency). This variant has not been reported in the literature in individuals affected with DIS3L2-related conditions. Invitae Evidence Modeling of protein sequence and biophysical properties (such as structural, functional, and spatial information, amino acid conservation, physicochemical variation, residue mobility, and thermodynamic stability) indicates that this missense variant is not expected to disrupt DIS3L2 protein function with a negative predictive value of 80%. In summary, the available evidence is currently insufficient to determine the role of this variant in disease. Therefore, it has been classified as a Variant of Uncertain Significance.